The following is an entry in ClinVar:

NM_001243279.3(ACSF3):c.977+1G>A

Gene: ACSF3 (acyl-CoA synthetase family member 3; plus strand). Cytogenetic location: 16q24.3.
Variant type: single nucleotide variant.
Coding change: c.977+1G>A on transcript NM_001243279.3 (MANE Select); the canonical splice donor site of the intron after coding-DNA position 977, G replaced by A.
Molecular consequence: splice donor variant.
Genome position (GRCh38, 1-based): chr16:89,112,247, G>A. VCF-style: chr16-89112247-G-A. GRCh37 (hg19) VCF-style: chr16-89178655-G-A.
Other names: c.977+1G>A (NM_174917.4, NM_001127214.4, NM_174917.5); c.182+1G>A (NM_001284316.2).
Identifiers: ClinVar variation 2166083 (VCV002166083.7), dbSNP rs141056046, ClinGen allele CA397139582.

ClinVar aggregate classification (germline): Likely pathogenic. Review status: criteria provided, multiple submitters, no conflicts (2 of 4 stars). 4 submissions from 4 submitters: Likely pathogenic (4). Last evaluated 2025-10-03.

Conditions:
Combined malonic and methylmalonic acidemia. Identifiers: Orphanet 289504, MedGen C3280314, MONDO:0013661, OMIM 614265.

Allele frequency attached by ClinVar (database versions not stated): gnomAD 0.00001; gnomAD exomes 0.00001.
gnomAD v4.1: 13 of 1,614,012 alleles (0.00081%); highest among the groups gnomAD compares: Non-Finnish European, 0.0011%; no homozygotes.

Submissions (4):

Labcorp Genetics (formerly Invitae), Labcorp
Classification: Likely pathogenic for Combined malonic and methylmalonic acidemia. Last evaluated: 2025-10-03. Review status: criteria provided, single submitter. Criteria: Invitae Variant Classification Sherloc (09022015). Collection method: clinical testing. Allele origin: germline.
Comment: This sequence change affects a donor splice site in intron 5 of the ACSF3 gene. It is expected to disrupt RNA splicing. Variants that disrupt the donor or acceptor splice site typically lead to a loss of protein function (PMID: 16199547), and loss-of-function variants in ACSF3 are known to be pathogenic (PMID: 21841779, 26827111). This variant is not present in population databases (gnomAD no frequency). This variant has not been reported in the literature in individuals affected with ACSF3-related conditions. ClinVar contains an entry for this variant (Variation ID: 2166083). Algorithms developed to predict the effect of sequence changes on RNA splicing suggest that this variant may disrupt the consensus splice site. In summary, the currently available evidence indicates that the variant is pathogenic, but additional data are needed to prove that conclusively. Therefore, this variant has been classified as Likely Pathogenic.

Natera, Inc.
Classification: Likely pathogenic for Combined malonic and methylmalonic aciduria. Last evaluated: 2024-12-30. Review status: criteria provided, single submitter. Criteria: Natera Variant Classification Schema (03/2026). Collection method: clinical testing. Allele origin: germline.
Comment: The c.977+1G>A variant in ACSF3 is a canonical splice donor site variant predicted to affect pre-mRNA splicing, which may result in an abnormal transcript and altered protein product. This variant is expected to result in nonsense mediated decay, truncation, or a dysfunctional protein product. This variant is rare in the general population with a frequency below the threshold expected for the associated phenotype(s). Given the available evidence, this variant is classified as Likely Pathogenic.

Fulgent Genetics
Classification: Likely pathogenic for Combined malonic and methylmalonic acidemia. Last evaluated: 2024-01-16. Review status: criteria provided, single submitter. Criteria: ACMG Guidelines, 2015. Collection method: clinical testing. Allele origin: germline.

Baylor Genetics
Classification: Likely pathogenic for Combined malonic and methylmalonic acidemia. Last evaluated: 2023-08-28. Review status: criteria provided, single submitter. Criteria: ACMG Guidelines, 2015. Collection method: clinical testing. Allele origin: unknown.

Literature cited by the submitters: PubMed 16199547 (cited by Labcorp Genetics (formerly Invitae), Labcorp); PubMed 21841779 (cited by Labcorp Genetics (formerly Invitae), Labcorp); PubMed 26827111 (cited by Labcorp Genetics (formerly Invitae), Labcorp).